The following is an entry in ClinVar:

NM_000551.4(VHL):c.541G>C (p.Val181Leu)

Genes: VHL (von Hippel-Lindau tumor suppressor; plus strand), LOC107303340 (3p25 von Hippel-Lindau tumor suppressor, E3 ubiquitin protein ligase Alu-mediated recombination region; plus strand). Cytogenetic location: 3p25.3.
Variant type: single nucleotide variant.
Coding change: c.541G>C on transcript NM_000551.4 (MANE Select); coding-DNA position 541, G replaced by C.
Protein change: p.Val181Leu; replaces valine 181 with leucine.
Molecular consequence: missense variant. On other transcripts: 3 prime UTR variant (1).
Genome position (GRCh38, 1-based): chr3:10,149,864, G>C. VCF-style: chr3-10149864-G-C. GRCh37 (hg19) VCF-style: chr3-10191548-G-C.
Other names: c.*95G>C (NM_001354723.2); c.418G>C, p.Val140Leu (NM_198156.3); short protein forms V140L, V181L.
Identifiers: ClinVar variation 1747433 (VCV001747433.2), dbSNP rs878854127, ClinGen allele CA351756295.

ClinVar aggregate classification (germline): Uncertain significance (1 of 4 stars; one submission).

Conditions:
Hereditary cancer-predisposing syndrome. Also called: Hereditary Cancer Syndrome; Neoplastic Syndromes, Hereditary; Tumor predisposition; Hereditary neoplastic syndrome. Identifiers: Orphanet 140162, MedGen C0027672, MeSH D009386, MONDO:0015356.

Submission:

Ambry Genetics
Classification: Uncertain significance for Hereditary cancer-predisposing syndrome. Last evaluated: 2022-03-09. Review status: criteria provided, single submitter. Criteria: Ambry Variant Classification Scheme 2023. Collection method: clinical testing. Allele origin: germline.
Comment: The p.V181L variant (also known as c.541G>C), located in coding exon 3 of the VHL gene, results from a G to C substitution at nucleotide position 541. The valine at codon 181 is replaced by leucine, an amino acid with highly similar properties. This amino acid position is well conserved in available vertebrate species. In addition, the in silico prediction for this alteration is inconclusive. Since supporting evidence is limited at this time, the clinical significance of this alteration remains unclear.